The following is an entry in ClinVar:

ClinVar aggregate classification (germline): Uncertain significance (1 of 4 stars; one submission).

Allele frequency attached by ClinVar (database versions not stated): ExAC 0.00001; gnomAD exomes 0.00001; TOPMed 0.00001; ESP Exome Variant Server 0.00008.
gnomAD v4.1: 3 of 1,614,094 alleles (0.00019%); highest among the groups gnomAD compares: Non-Finnish European, 0.00025%; no homozygotes.

Submission:

GeneDx
Classification: Uncertain significance. Last evaluated: 2022-05-16. Review status: criteria provided, single submitter. Criteria: GeneDx Variant Classification Process June 2021. Collection method: clinical testing. Allele origin: germline. Affected: yes.
Comment: Not observed at significant frequency in large population cohorts (gnomAD); In silico analysis supports that this missense variant has a deleterious effect on protein structure/function; Has not been previously published as pathogenic or benign to our knowledge

NM_020745.4(AARS2):c.1366A>G (p.Met456Val)

Gene: AARS2 (alanyl-tRNA synthetase 2, mitochondrial; minus strand). Cytogenetic location: 6p21.1.
Variant type: single nucleotide variant.
Coding change: c.1366A>G on transcript NM_020745.4 (MANE Select); coding-DNA position 1366, A replaced by G.
Protein change: p.Met456Val; replaces methionine 456 with valine.
Molecular consequence: missense variant.
Genome position (GRCh38, 1-based): chr6:44,305,721, T>C on the plus strand (A>G on the coding strand, the complement: AARS2 is on the minus strand). VCF-style: chr6-44305721-T-C. GRCh37 (hg19) VCF-style: chr6-44273458-T-C.
Other names: short protein forms M456V.
Identifiers: ClinVar variation 1800704 (VCV001800704.1), dbSNP rs370375429, ClinGen allele CA3834354.
Genomic context (GRCh38, chr6:44,305,721, plus strand): 5'-CCTCTTGGGCCAACCGCTCCAGTCCAGCGGAGTCTAGCTGGACCCCTTTCTCCTCCAGCA[T>C]CAGCTCTACCATGTCCAAGGGGAGTCCCAGGTCTCCACACAGTGACAAGGACCAGGCCAC-3'
Protein context (NP_065796.2, residues 446-466): LGLPLDMVEL[Met456Val]LEEKGVQLDS